The following is an entry in ClinVar:

ClinVar aggregate classification (germline): Pathogenic/Likely pathogenic. Review status: criteria provided, multiple submitters, no conflicts (2 of 4 stars). 5 submissions from 5 submitters: Pathogenic (3); Likely pathogenic (1). 1 of the submissions does not count toward it. Last evaluated 2025-11-16.

Conditions:
Inborn genetic diseases. Identifiers: MedGen C0950123, MeSH D030342.
Dyggve-Melchior-Clausen syndrome (DMC). Also called: Dyggve-Melchior-Clausen disease; DMC syndrome. Identifiers: Orphanet 239, MedGen C0265286, MONDO:0009130, OMIM 223800.
Smith-McCort dysplasia 1 (SMC1). Also called: Smith-McCort dwarfism. Identifiers: MedGen C3888088, MONDO:0011814, OMIM 607326.

Allele frequency attached by ClinVar (database versions not stated): TOPMed 0.00001; ExAC 0.00002.
gnomAD v4.1: 9 of 1,611,986 alleles (0.00056%); highest among the groups gnomAD compares: African/African-American, 0.004%; no homozygotes.

Submissions (5):

Labcorp Genetics (formerly Invitae), Labcorp
Classification: Pathogenic. Last evaluated: 2025-11-16. Review status: criteria provided, single submitter. Criteria: Invitae Variant Classification Sherloc (09022015). Collection method: clinical testing. Allele origin: germline.
Comment: This sequence change creates a premature translational stop signal (p.Tyr132*) in the DYM gene. It is expected to result in an absent or disrupted protein product. Loss-of-function variants in DYM are known to be pathogenic (PMID: 12491225, 12554689, 18996921). This variant is present in population databases (rs120074162, gnomAD 0.007%). This premature translational stop signal has been observed in individual(s) with Dyggve-Melchior-Clausen syndrome (PMID: 12491225). ClinVar contains an entry for this variant (Variation ID: 3186). For these reasons, this variant has been classified as Pathogenic.

GeneDx
Classification: Pathogenic. Last evaluated: 2025-06-03. Review status: criteria provided, single submitter. Criteria: GeneDx Variant Classification Process June 2021. Collection method: clinical testing. Allele origin: germline. Affected: yes.
Comment: Reported in the compound heterozygous state in an individual with Dyggve-Melchior-Clausen dysplasia (DMC) in published literature (PMID: 12491225); Nonsense variant predicted to result in protein truncation or nonsense mediated decay in a gene for which loss of function is a known mechanism of disease; Not observed at significant frequency in large population cohorts (gnomAD); This variant is associated with the following publications: (PMID: 25525159, 12491225)

Fulgent Genetics
Classification: Likely pathogenic for Dyggve-Melchior-Clausen syndrome; Smith-McCort dysplasia 1. Last evaluated: 2021-12-29. Review status: criteria provided, single submitter. Criteria: ACMG Guidelines, 2015. Collection method: clinical testing. Allele origin: unknown.

Ambry Genetics
Classification: Pathogenic for Inborn genetic diseases. Last evaluated: 2021-12-22. Review status: criteria provided, single submitter. Criteria: Ambry Variant Classification Scheme 2023. Collection method: clinical testing. Allele origin: germline.
Comment: The c.396T>A (p.Y132*) alteration, located in exon 5 (coding exon 4) of the DYM gene, consists of a T to A substitution at nucleotide position 396. This changes the amino acid from a tyrosine (Y) to a stop codon at amino acid position 132. This alteration is expected to result in loss of function by premature protein truncation or nonsense-mediated mRNA decay. Based on data from gnomAD, the A allele has an overall frequency of <0.01% (1/250890) total alleles studied. The highest observed frequency was 0.01% (1/16220) of African alleles. This alteration was confirmed to be compound heterozygous with a second alteration in a patient with Dyggve-Melchior-Clausen dysplasia (Cohn, 2003). Based on the available evidence, this alteration is classified as pathogenic.

OMIM
Classification: Pathogenic for DYGGVE-MELCHIOR-CLAUSEN DISEASE. Last evaluated: 2003-02-01. Review status: no assertion criteria provided. Collection method: literature only. Allele origin: germline. Not counted in ClinVar's aggregate classification.

Literature cited by the submitters: PubMed 12491225 (cited by 3 submitters); PubMed 12554689 (cited by Labcorp Genetics (formerly Invitae), Labcorp); PubMed 18996921 (cited by Labcorp Genetics (formerly Invitae), Labcorp).

NM_001353214.3(DYM):c.396T>A (p.Tyr132Ter)

Gene: DYM (dymeclin; minus strand). Cytogenetic location: 18q21.1.
Variant type: single nucleotide variant.
Coding change: c.396T>A on transcript NM_001353214.3 (MANE Select); coding-DNA position 396, T replaced by A.
Protein change: p.Tyr132Ter; replaces tyrosine 132 with a stop codon.
Molecular consequence: nonsense. On other transcripts: intron variant (5).
Genome position (GRCh38, 1-based): chr18:49,378,592, A>T on the plus strand (T>A on the coding strand, the complement: DYM is on the minus strand). VCF-style: chr18-49378592-A-T. GRCh37 (hg19) VCF-style: chr18-46904962-A-T.
Other names: c.396T>A (NM_017653.3); c.396T>A, p.Tyr132Ter (NM_001353210.3, NM_001353213.3, NM_001353215.3 and 12 more transcripts); c.393T>A, p.Tyr131Ter (NM_001353211.3, NM_001353212.3, NM_001374429.1 and 1 more transcripts); c.193+13001T>A (NM_001374443.1, NM_001374444.1, NM_001374442.1 and 2 more transcripts); short protein forms Y132*, Y131*.
Identifiers: ClinVar variation 3186 (VCV000003186.12), dbSNP rs120074162, ClinGen allele CA116047.
Genomic context (GRCh38, chr18:49,378,592, plus strand): 5'-GATATATCCAGAACATCTTTAAAAACAATACTTACTGTAATTGCCAGGAGATTTTTCTTC[A>T]TAAGTAAAATGAAGTTGTAATTCCTCCTCTGACATCTGACAGATGAACACTTTCAGCAAA-3'